The following is an entry in ClinVar:

ClinVar aggregate classification (germline): Benign/Likely benign. Review status: criteria provided, multiple submitters, no conflicts (2 of 4 stars). 2 submissions from 2 submitters: Benign (1); Likely benign (1). Last evaluated 2025-06-23.

Conditions:
DNAH6-related disorder. Also called: DNAH6-related condition.

Allele frequency attached by ClinVar (database versions not stated): gnomAD exomes 0.00030 and 0.00066; ExAC 0.00076; ESP Exome Variant Server 0.00175; 1000 Genomes Project 0.00280; gnomAD 0.00283 and 0.00293; 1000 Genomes Project 30x 0.00297; TOPMed 0.00321.
gnomAD v4.1: 868 of 1,548,626 alleles (0.056%); highest among the groups gnomAD compares: African/African-American, 0.94%; 3 homozygotes.

Submissions (2):

PreventionGenetics, part of Exact Sciences
Classification: Likely benign for DNAH6-related condition. Last evaluated: 2025-06-23. Review status: criteria provided, single submitter. Criteria: ACMG Guidelines, 2015. Collection method: clinical testing. Allele origin: germline.
Comment: This variant is classified as likely benign based on ACMG/AMP sequence variant interpretation guidelines (Richards et al. 2015 PMID: 25741868, with internal and published modifications).

Labcorp Genetics (formerly Invitae), Labcorp
Classification: Benign. Last evaluated: 2018-04-11. Review status: criteria provided, single submitter. Criteria: Invitae Variant Classification Sherloc (09022015). Collection method: clinical testing. Allele origin: germline.

NM_001370.2(DNAH6):c.11998+8C>T

Gene: DNAH6 (dynein axonemal heavy chain 6; plus strand). Cytogenetic location: 2p11.2.
Variant type: single nucleotide variant.
Coding change: c.11998+8C>T on transcript NM_001370.2 (MANE Select); 8 bases into the intron after coding-DNA position 11998, C replaced by T.
Molecular consequence: intron variant.
Genome position (GRCh38, 1-based): chr2:84,813,138, C>T. VCF-style: chr2-84813138-C-T. GRCh37 (hg19) VCF-style: chr2-85040262-C-T.
Identifiers: ClinVar variation 730285 (VCV000730285.4), dbSNP rs148094649, ClinGen allele CA1737848.